The following is an entry in ClinVar:

NM_001042492.3(NF1):c.1845+1_1845+5del

Gene: NF1 (neurofibromin 1; plus strand). Cytogenetic location: 17q11.2.
Variant type: Deletion.
Coding change: c.1845+1_1845+5del on transcript NM_001042492.3 (MANE Select); the canonical splice donor site of the intron after coding-DNA position 1845 through 5 bases into the intron after coding-DNA position 1845, 5 bases deleted (GTAAG; older notation c.1845+1_1845+5delGTAAG).
Molecular consequence: splice donor variant.
Genome position (GRCh38, 1-based): chr17:31,223,568-31,223,572, GTAAG deleted; deleting any 5 consecutive bases within chr17:31,223,564-31,223,572 gives the same sequence; the c. name uses the placement nearest the transcript's 3' end. VCF-style (leftmost placement, unchanged base first): chr17-31223563-ATAAGG-A. GRCh37 (hg19) VCF-style: chr17-29550581-ATAAGG-A.
Other names: c.1845+1_1845+5del (NM_000267.4); c.1845+1_1845+5delGTAAG (NM_000267.3).
Identifiers: ClinVar variation 431598 (VCV000431598.11), dbSNP rs1135402822, ClinGen allele CA645373090.

ClinVar aggregate classification (germline): Pathogenic. Review status: criteria provided, multiple submitters, no conflicts (2 of 4 stars). 5 submissions from 5 submitters: Pathogenic (4). 1 of the submissions does not count toward it. Last evaluated 2025-10-13.

Conditions:
NF1-related disorder. Also called: NF1-related condition. Identifiers: MedGen CN379171.
Neurofibromatosis, type 1 (NF1). Also called: Neurofibromatosis, type I; Peripheral type neurofibromatosis; VON RECKLINGHAUSEN DISEASE; NEUROFIBROMATOSIS, TYPE I, SOMATIC. Identifiers: Orphanet 636, MedGen C0027831, MONDO:0018975, OMIM 162200. Disease mechanism: loss of function.
Hereditary cancer-predisposing syndrome. Also called: Hereditary Cancer Syndrome; Hereditary neoplastic syndrome; Neoplastic Syndromes, Hereditary; Tumor predisposition. Identifiers: Orphanet 140162, MedGen C0027672, MeSH D009386, MONDO:0015356.
Cardiovascular phenotype. Identifiers: MedGen CN230736.

Submissions (5):

Labcorp Genetics (formerly Invitae), Labcorp
Classification: Pathogenic for Neurofibromatosis, type 1. Last evaluated: 2025-10-13. Review status: criteria provided, single submitter. Criteria: Invitae Variant Classification Sherloc (09022015). Collection method: clinical testing. Allele origin: germline.
Comment: This sequence change affects a splice site in intron 16 of the NF1 gene. It is expected to disrupt RNA splicing. Variants that disrupt the donor or acceptor splice site typically lead to a loss of protein function (PMID: 16199547), and loss-of-function variants in NF1 are known to be pathogenic (PMID: 10712197, 23913538). This variant is not present in population databases (gnomAD no frequency). Disruption of this splice site has been observed in individuals with neurofibromatosis type 1 (PMID: 9195229, 10712197, 11292340). Invitae Evidence Modeling of clinical and family history, age, sex, and reported ancestry of multiple individuals with this NF1 variant has been performed. This variant is expected to be pathogenic with a positive predictive value of at least 99%. This is a validated machine learning model that incorporates the clinical features of 1,785,918 individuals referred to our laboratory for NF1 testing. ClinVar contains an entry for this variant (Variation ID: 431598). Algorithms developed to predict the effect of sequence changes on RNA splicing suggest that this variant may disrupt the consensus splice site. For these reasons, this variant has been classified as Pathogenic.

Ambry Genetics
Classification: Pathogenic for Cardiovascular phenotype; Hereditary cancer-predisposing syndrome. Last evaluated: 2024-08-07. Review status: criteria provided, single submitter. Criteria: Ambry Variant Classification Scheme 2023. Collection method: clinical testing. Allele origin: germline.
Comment: The c.1845+1_1845+5delGTAAG intronic variant, located in intron 16 of the NF1 gene, results from a deletion of 5 nucleotides within intron 16 of the NF1 gene. This variant was reported in multiple individuals with features consistent with neurofibromatosis type 1 (Fahsold R et al. Am J Hum Genet, 2000 Mar;66:790-818; von Stedingk K et al. Sci Rep, 2021 Mar;11:5307; Ambry internal data). Other alterations impacting the same donor site (c.1845+1G>A and c.1845+1G>T) have been detected in multiple individuals with neurofibromatosis type 1 (Abernathy CR et al. Hum Mutat, 1997;9:548-54; Fang LJ et al. J Mol Biol, 2001 Apr;307:1261-70; Chai P et al. BMC Med Genet, 2019 Sep;20:158). c.1845+1_1845+5delGTAAG is considered to be rare based on population cohorts in the Genome Aggregation Database (gnomAD). This nucleotide position is highly conserved in available vertebrate species. In silico splice site analysis predicts that this alteration will weaken the native splice donor site; however, direct evidence is insufficient at this time (Ambry internal data). Alterations that disrupt the canonical splice site are expected to cause aberrant splicing, resulting in an abnormal protein or a transcript that is subject to nonsense-mediated mRNA decay. As such, this alteration is classified as a disease-causing mutation.

Blueprint Genetics
Classification: Pathogenic for NF1-related disorders. Last evaluated: 2021-07-13. Review status: criteria provided, single submitter. Criteria: ACMG Guidelines, 2015. Collection method: clinical testing. Allele origin: germline. Affected: yes. Observed: 1 variant allele.

Juno Genomics, Hangzhou Juno Genomics, Inc
Classification: Pathogenic for Neurofibromatosis, type 1. Review status: criteria provided, single submitter. Criteria: ACMG Guidelines, 2015. Collection method: clinical testing. Allele origin: germline. Affected: yes.
Comment: Absent from controls (or at extremely low frequency if recessive) in Genome Aggregation Database, Exome Sequencing Project, 1000 Genomes Project, or Exome Aggregation Consortium.;Null variant in a gene where loss of function (LOF) is a known mechanism of disease.;The prevalence of the variant in affected individuals is significantly increased compared to the prevalence in controls.

Medical Genetics, University of Parma
Classification: Likely pathogenic for Neurofibromatosis type 1. Last evaluated: 2017-02-02. Review status: no assertion criteria provided. Collection method: clinical testing. Allele origin: germline. Affected: yes. Not counted in ClinVar's aggregate classification.

Literature cited by the submitters: PubMed 16199547 (cited by Labcorp Genetics (formerly Invitae), Labcorp); PubMed 10712197 (cited by Labcorp Genetics (formerly Invitae), Labcorp and Ambry Genetics); PubMed 23913538 (cited by Labcorp Genetics (formerly Invitae), Labcorp); PubMed 9195229 (cited by Labcorp Genetics (formerly Invitae), Labcorp and Ambry Genetics); PubMed 11292340 (cited by Labcorp Genetics (formerly Invitae), Labcorp and Ambry Genetics); PubMed 31533651 (cited by Ambry Genetics); PubMed 33674644 (cited by Ambry Genetics).